The following is an entry in ClinVar:

ClinVar aggregate classification (germline): Uncertain significance (1 of 4 stars; one submission).

Submission:

GeneDx
Classification: Uncertain significance. Last evaluated: 2016-09-02. Review status: criteria provided, single submitter. Criteria: GeneDx Variant Classification (06012015). Collection method: clinical testing. Allele origin: germline. Affected: yes.
Comment: The S3259P variant in the ANK2 gene has not been reported previously as a pathogenic variant, nor as a benign variant, to our knowledge. The S3259P variant was not observed in approximately 6500 individuals of European and African American ancestry in the NHLBI Exome Sequencing Project, indicating it is not a common benign variant in these populations. The S3259P variant is a non-conservative amino acid substitution, which is likely to impact secondary protein structure as these residues differ in polarity, charge, size and/or other properties. This substitution occurs at a position that is conserved in mammals and in silico analysis predicts this variant is probably damaging to the protein structure/function. We interpret S3259P as a variant of uncertain significance

NM_001148.6(ANK2):c.9775T>C (p.Ser3259Pro)

Gene: ANK2 (ankyrin 2; plus strand). Cytogenetic location: 4q26.
Variant type: single nucleotide variant.
Coding change: c.9775T>C on transcript NM_001148.6 (MANE Select); coding-DNA position 9775, T replaced by C.
Protein change: p.Ser3259Pro; replaces serine 3259 with proline.
Molecular consequence: missense variant. On other transcripts: intron variant (68).
Genome position (GRCh38, 1-based): chr4:113,358,393, T>C. VCF-style: chr4-113358393-T-C. GRCh37 (hg19) VCF-style: chr4-114279549-T-C.
Other names: c.9541T>C, p.Ser3181Pro (NM_001386142.1); c.6175T>C, p.Ser2059Pro (NM_001386166.1); c.9916T>C, p.Ser3306Pro (NM_001386174.1); c.9892T>C, p.Ser3298Pro (NM_001386175.1); c.4412-2430T>C (NM_001386186.2, NM_001386148.2); c.4214-2430T>C (NM_001354269.3); c.4292-2430T>C (NM_001386187.2); c.4253-2430T>C (NM_001386147.1); and 35 more; short protein forms S3259P, S2059P, S3181P, S3298P, S3306P.
Identifiers: ClinVar variation 389136 (VCV000389136.2), dbSNP rs1057523335, ClinGen allele CA16604673.